The following is an entry in ClinVar:

NM_015073.3(SIPA1L3):c.1123_1140dup (p.Ala380_Met381insAlaSerAlaAlaSerAla)

Gene: SIPA1L3 (signal induced proliferation associated 1 like 3; plus strand). Cytogenetic location: 19q13.13.
Variant type: Duplication.
Coding change: c.1123_1140dup on transcript NM_015073.3 (MANE Select); coding-DNA positions 1123 to 1140, 18 bases duplicated (GCTTCCGCCGCCTCGGCC).
Protein change: p.Ala380_Met381insAlaSerAlaAlaSerAla.
Molecular consequence: inframe insertion.
Genome position (GRCh38, 1-based): chr19:38,082,688-38,082,705, GCTTCCGCCGCCTCGGCC duplicated; duplicating any 18 consecutive bases within chr19:38,082,682-38,082,705 gives the same sequence; the c. name uses the placement nearest the transcript's 3' end. VCF-style (leftmost placement, unchanged base first): chr19-38082681-T-TTCGGCCGCTTCCGCCGCC. GRCh37 (hg19) VCF-style: chr19-38573321-T-TTCGGCCGCTTCCGCCGCC.
Identifiers: ClinVar variation 2067458 (VCV002067458.4), dbSNP rs767708244, ClinGen allele CA9409288.

ClinVar aggregate classification (germline): Uncertain significance (1 of 4 stars; one submission).

Submission:

Labcorp Genetics (formerly Invitae), Labcorp
Classification: Uncertain significance. Last evaluated: 2026-01-07. Review status: criteria provided, single submitter. Criteria: Invitae Variant Classification Sherloc (09022015). Collection method: clinical testing. Allele origin: germline.
Comment: This variant, c.1123_1140dup, results in the insertion of 6 amino acid(s) of the SIPA1L3 protein (p.Ala375_Ala380dup), but otherwise preserves the integrity of the reading frame. This variant is present in population databases (rs767708244, gnomAD 0.08%), and has an allele count higher than expected for a pathogenic variant. This variant has not been reported in the literature in individuals affected with SIPA1L3-related conditions. ClinVar contains an entry for this variant (Variation ID: 2067458). In summary, the available evidence is currently insufficient to determine the role of this variant in disease. Therefore, it has been classified as a Variant of Uncertain Significance.